The following is an entry in ClinVar:

NM_006431.3(CCT2):c.764G>A (p.Arg255Gln)

Gene: CCT2 (chaperonin containing TCP1 subunit 2; plus strand). Cytogenetic location: 12q15.
Variant type: single nucleotide variant.
Coding change: c.764G>A on transcript NM_006431.3 (MANE Select); coding-DNA position 764, G replaced by A.
Protein change: p.Arg255Gln; replaces arginine 255 with glutamine.
Molecular consequence: missense variant.
Genome position (GRCh38, 1-based): chr12:69,592,989, G>A. VCF-style: chr12-69592989-G-A. GRCh37 (hg19) VCF-style: chr12-69986769-G-A.
Other names: c.764G>A (NM_006431.2); c.623G>A, p.Arg208Gln (NM_001198842.2); short protein forms R208Q, R255Q.
Identifiers: ClinVar variation 1519261 (VCV001519261.8), dbSNP rs765659165, ClinGen allele CA6680681.

ClinVar aggregate classification (germline): Uncertain significance. Review status: criteria provided, multiple submitters, no conflicts (2 of 4 stars). 2 submissions from 2 submitters: Uncertain significance (2). Last evaluated 2024-01-02.

Allele frequency attached by ClinVar (database versions not stated): TOPMed 0.00003; gnomAD 0.00004 and 0.00003; ExAC 0.00002; gnomAD exomes 0.00002 and 0.00005.
gnomAD v4.1: 74 of 1,612,222 alleles (0.0046%); highest among the groups gnomAD compares: Non-Finnish European, 0.0058%; no homozygotes.

Submissions (4):

Ambry Genetics
Classification: Uncertain significance. Last evaluated: 2024-01-02. Review status: criteria provided, single submitter. Criteria: Ambry Variant Classification Scheme 2023. Collection method: clinical testing. Allele origin: germline.

Labcorp Genetics (formerly Invitae), Labcorp
Classification: Uncertain significance. Last evaluated: 2023-05-15. Review status: criteria provided, single submitter. Criteria: Invitae Variant Classification Sherloc (09022015). Collection method: clinical testing. Allele origin: germline.
Comment: This variant has not been reported in the literature in individuals affected with CCT2-related conditions. In summary, the available evidence is currently insufficient to determine the role of this variant in disease. Therefore, it has been classified as a Variant of Uncertain Significance. An algorithm developed to predict the effect of missense changes on protein structure and function (PolyPhen-2) suggests that this variant is likely to be tolerated. ClinVar contains an entry for this variant (Variation ID: 1519261). This sequence change replaces arginine, which is basic and polar, with glutamine, which is neutral and polar, at codon 255 of the CCT2 protein (p.Arg255Gln). This variant is present in population databases (rs765659165, gnomAD 0.004%).

Dr. Peter K. Rogan Lab, Western University
No classification provided (evidence only). Condition: Cervical cancer. Review status: no classification provided. Collection method: in vitro. Allele origin: not applicable. Functional consequence: retained intron. Not counted in ClinVar's aggregate classification.

Dr. Peter K. Rogan Lab, Western University
No classification provided (evidence only). Condition: Thymoma. Review status: no classification provided. Collection method: in vitro. Allele origin: not applicable. Functional consequence: retained intron. Not counted in ClinVar's aggregate classification.